The following is an entry in ClinVar:

NM_006031.6(PCNT):c.639+1G>A

Gene: PCNT (pericentrin; plus strand). Cytogenetic location: 21q22.3.
Variant type: single nucleotide variant.
Coding change: c.639+1G>A on transcript NM_006031.6 (MANE Select); the canonical splice donor site of the intron after coding-DNA position 639, G replaced by A.
Molecular consequence: splice donor variant.
Genome position (GRCh38, 1-based): chr21:46,334,769, G>A. VCF-style: chr21-46334769-G-A. GRCh37 (hg19) VCF-style: chr21-47754683-G-A.
Other names: c.285+1G>A (NM_001315529.2).
Identifiers: ClinVar variation 3676578 (VCV003676578.2).

ClinVar aggregate classification (germline): Likely pathogenic (1 of 4 stars; one submission).

gnomAD v4.1: 27 of 1,614,182 alleles (0.0017%); highest among the groups gnomAD compares: Non-Finnish European, 0.0023%; no homozygotes.

Submission:

Labcorp Genetics (formerly Invitae), Labcorp
Classification: Likely pathogenic. Last evaluated: 2024-02-18. Review status: criteria provided, single submitter. Criteria: Invitae Variant Classification Sherloc (09022015). Collection method: clinical testing. Allele origin: germline.
Comment: This sequence change affects a donor splice site in intron 3 of the PCNT gene. It is expected to disrupt RNA splicing. Variants that disrupt the donor or acceptor splice site typically lead to a loss of protein function (PMID: 16199547), and loss-of-function variants in PCNT are known to be pathogenic (PMID: 18174396, 22821869). This variant is present in population databases (rs757244091, gnomAD 0.0009%). This variant has not been reported in the literature in individuals affected with PCNT-related conditions. Algorithms developed to predict the effect of sequence changes on RNA splicing suggest that this variant may disrupt the consensus splice site. In summary, the currently available evidence indicates that the variant is pathogenic, but additional data are needed to prove that conclusively. Therefore, this variant has been classified as Likely Pathogenic.

Literature cited by the submitters: PubMed 16199547; PubMed 18174396; PubMed 22821869.